The following is an entry in ClinVar:

NM_001349253.2(SCN11A):c.841C>A (p.Leu281Met)

Gene: SCN11A (sodium voltage-gated channel alpha subunit 11; minus strand). Cytogenetic location: 3p22.2.
Variant type: single nucleotide variant.
Coding change: c.841C>A on transcript NM_001349253.2 (MANE Select); coding-DNA position 841, C replaced by A.
Protein change: p.Leu281Met; replaces leucine 281 with methionine.
Molecular consequence: missense variant.
Genome position (GRCh38, 1-based): chr3:38,921,127, G>T on the plus strand (C>A on the coding strand, the complement: SCN11A is on the minus strand). VCF-style: chr3-38921127-G-T. GRCh37 (hg19) VCF-style: chr3-38962618-G-T.
Other names: c.841C>A, p.Leu281Met (NM_014139.3); short protein forms L281M.
Identifiers: ClinVar variation 3763473 (VCV003763473.2).

ClinVar aggregate classification (germline): Uncertain significance (1 of 4 stars; one submission).

Conditions:
Hereditary sensory and autonomic neuropathy type 7. Also called: HSAN VII; Neuropathy, hereditary sensory and autonomic, type VII. Identifiers: Orphanet 391397, MedGen C3809882, MONDO:0014244, OMIM 615548.
Familial episodic pain syndrome with predominantly lower limb involvement. Also called: Episodic pain syndrome, familial, 3. Identifiers: Orphanet 391384, Orphanet 391392, MedGen C3809899, MONDO:0014247, OMIM 615552.

Submission:

Labcorp Genetics (formerly Invitae), Labcorp
Classification: Uncertain significance for Familial episodic pain syndrome with predominantly lower limb involvement; Hereditary sensory and autonomic neuropathy type 7. Last evaluated: 2024-03-01. Review status: criteria provided, single submitter. Criteria: Invitae Variant Classification Sherloc (09022015). Collection method: clinical testing. Allele origin: germline.
Comment: This sequence change replaces leucine, which is neutral and non-polar, with methionine, which is neutral and non-polar, at codon 281 of the SCN11A protein (p.Leu281Met). This variant is not present in population databases (gnomAD no frequency). This variant has not been reported in the literature in individuals affected with SCN11A-related conditions. Advanced modeling of protein sequence and biophysical properties (such as structural, functional, and spatial information, amino acid conservation, physicochemical variation, residue mobility, and thermodynamic stability) performed at Invitae indicates that this missense variant is not expected to disrupt SCN11A protein function with a negative predictive value of 80%. In summary, the available evidence is currently insufficient to determine the role of this variant in disease. Therefore, it has been classified as a Variant of Uncertain Significance.